The following is an entry in ClinVar:

ClinVar aggregate classification (germline): Uncertain significance (1 of 4 stars; one submission).

Conditions:
Hereditary spastic paraplegia 48. Also called: SPASTIC PARAPLEGIA 48, AUTOSOMAL RECESSIVE; Spastic paraplegia 48. Identifiers: Orphanet 306511, MedGen C3150901, MONDO:0013342, OMIM 613647.

Submissions (2):

Labcorp Genetics (formerly Invitae), Labcorp
Classification: Uncertain significance for Hereditary spastic paraplegia 48. Last evaluated: 2023-12-11. Review status: criteria provided, single submitter. Criteria: Invitae Variant Classification Sherloc (09022015). Collection method: clinical testing. Allele origin: germline.
Comment: This sequence change falls in intron 12 of the AP5Z1 gene. It does not directly change the encoded amino acid sequence of the AP5Z1 protein. It affects a nucleotide within the consensus splice site. The frequency data for this variant in the population databases is considered unreliable, as metrics indicate poor data quality at this position in the gnomAD database. This variant has not been reported in the literature in individuals affected with AP5Z1-related conditions. ClinVar contains an entry for this variant (Variation ID: 2045855). Variants that disrupt the consensus splice site are a relatively common cause of aberrant splicing (PMID: 17576681, 9536098). Algorithms developed to predict the effect of sequence changes on RNA splicing suggest that this variant may disrupt the consensus splice site. In summary, the available evidence is currently insufficient to determine the role of this variant in disease. Therefore, it has been classified as a Variant of Uncertain Significance.

Dr. Peter K. Rogan Lab, Western University
No classification provided (evidence only). Condition: Gastric cancer. Review status: no classification provided. Collection method: in vitro. Allele origin: not applicable. Functional consequence: retained intron. Not counted in ClinVar's aggregate classification.

Literature cited by the submitters: PubMed 17576681 (cited by Labcorp Genetics (formerly Invitae), Labcorp); PubMed 9536098 (cited by Labcorp Genetics (formerly Invitae), Labcorp).

NM_014855.3(AP5Z1):c.1595+5G>A

Gene: AP5Z1 (adaptor related protein complex 5 subunit zeta 1; plus strand). Cytogenetic location: 7p22.1.
Variant type: single nucleotide variant.
Coding change: c.1595+5G>A on transcript NM_014855.3 (MANE Select); 5 bases into the intron after coding-DNA position 1595, G replaced by A.
Molecular consequence: intron variant.
Genome position (GRCh38, 1-based): chr7:4,788,299, G>A. VCF-style: chr7-4788299-G-A. GRCh37 (hg19) VCF-style: chr7-4827930-G-A.
Other names: c.1127+5G>A (NM_001364858.1).
Identifiers: ClinVar variation 2045855 (VCV002045855.3), dbSNP rs746540526, ClinGen allele CA4137886.